The following is an entry in ClinVar:

NM_000143.4(FH):c.194A>G (p.Asp65Gly)

Gene: FH (fumarate hydratase; minus strand). Cytogenetic location: 1q43.
Variant type: single nucleotide variant.
Coding change: c.194A>G on transcript NM_000143.4 (MANE Select); coding-DNA position 194, A replaced by G.
Protein change: p.Asp65Gly; replaces aspartic acid 65 with glycine.
Molecular consequence: missense variant.
Genome position (GRCh38, 1-based): chr1:241,517,255, T>C on the plus strand (A>G on the coding strand, the complement: FH is on the minus strand). VCF-style: chr1-241517255-T-C. GRCh37 (hg19) VCF-style: chr1-241680555-T-C.
Other names: p.D65G:GAT>GGT; short protein forms D65G.
Identifiers: ClinVar variation 214390 (VCV000214390.31), dbSNP rs145116688, ClinGen allele CA321905.

ClinVar aggregate classification (germline): Conflicting classifications of pathogenicity. Review status: criteria provided, conflicting classifications (1 of 4 stars). 11 submissions from 11 submitters: Pathogenic (1); Likely pathogenic (8); Uncertain significance (1). 1 of the submissions does not count toward it. Last evaluated 2025-12-24.

Conditions:
FH-related disorder. Also called: FH-related condition; FH-related disorders.
Hereditary cancer-predisposing syndrome. Also called: Neoplastic Syndromes, Hereditary; Tumor predisposition; Hereditary Cancer Syndrome; Hereditary neoplastic syndrome. Identifiers: Orphanet 140162, MedGen C0027672, MeSH D009386, MONDO:0015356.
Fumarase deficiency (FMRD). Also called: Fumaric aciduria; Fumarate Hydratase Deficiency. Identifiers: Orphanet 24, MedGen C0342770, MONDO:0011730, OMIM 606812.
Hereditary leiomyomatosis and renal cell cancer. Also called: MULTIPLE CUTANEOUS AND UTERINE LEIOMYOMATA 1, WITH OR WITHOUT RENAL CELL CARCINOMA; Multiple cutaneous leiomyomas; FH tumor predisposition syndrome; Familial leiomyomatosis; LEIOMYOMA, MULTIPLE CUTANEOUS; Reed syndrome. Identifiers: Orphanet 523, MedGen C1708350, MONDO:0007888, OMIM 150800, HP:0007437. Disease mechanism: loss of function.

Allele frequency attached by ClinVar (database versions not stated): ESP Exome Variant Server 0.00008; ExAC 0.00001; gnomAD 0.00001; TOPMed 0.00002.
gnomAD v4.1: 99 of 1,614,064 alleles (0.0061%); highest among the groups gnomAD compares: Non-Finnish European, 0.0078%; no homozygotes.

Submissions (12):

Labcorp Genetics (formerly Invitae), Labcorp
Classification: Pathogenic. Last evaluated: 2025-12-24. Review status: criteria provided, single submitter. Criteria: Invitae Variant Classification Sherloc (09022015). Collection method: clinical testing. Allele origin: germline.
Comment: This sequence change replaces aspartic acid, which is acidic and polar, with glycine, which is neutral and non-polar, at codon 65 of the FH protein (p.Asp65Gly). RNA analysis indicates that this missense change induces altered splicing and may result in an absent or altered protein product. This variant is present in population databases (rs145116688, gnomAD 0.002%). This missense change has been observed in individual(s) with fumarate hydratase deficiency (PMID: 31746132). In at least one individual the data is consistent with being in trans (on the opposite chromosome) from a pathogenic variant. ClinVar contains an entry for this variant (Variation ID: 214390). Invitae Evidence Modeling of protein sequence and biophysical properties (such as structural, functional, and spatial information, amino acid conservation, physicochemical variation, residue mobility, and thermodynamic stability) has been performed for this missense variant. However, the output from this modeling did not meet the statistical confidence thresholds required to predict the impact of this variant on FH protein function. Experimental studies are conflicting or provide insufficient evidence to determine the effect of this variant on FH function (PMID: 31746132). Studies have shown that this missense change results in activation of a cryptic splice site, and produces a non-functional protein and/or introduces a premature termination codon (internal data). For these reasons, this variant has been classified as Pathogenic.

Ambry Genetics
Classification: Likely pathogenic for Hereditary cancer-predisposing syndrome. Last evaluated: 2025-08-18. Review status: criteria provided, single submitter. Criteria: Ambry Variant Classification Scheme 2023. Collection method: clinical testing. Allele origin: germline.
Comment: The p.D65G variant (also known as c.194A>G), located in coding exon 2 of the FH gene, results from an A to G substitution at nucleotide position 194. The aspartic acid at codon 65 is replaced by glycine, an amino acid with similar properties. This alteration was identified in a compound heterozygous state with FH c.1293delA in a patient with fumarate hydratase (FH) deficiency (Grocott O et al. Am. J. Med. Genet. A, 2019 Nov). In addition, this variant has been reported in at least one individual with FH-deficient pheochromocytoma (external communication). Functional studies on the protein effect demonstrate only a minor effect in enzyme kinetics relative to wildtype (Grocott O et al. Am. J. Med. Genet. A, 2019 Nov). This alteration was identified in 1/1358 non-cancer control individuals and in 0/57 cases, in a study looking at cancer predisposition mutations in patients with cutaneous melanoma (Pritchard AL et al. PLoS One, 2018 Apr;13:e0194098). In silico splice site analysis predicts that this alteration will result in the creation or strengthening of a novel splice donor site. RNA studies have demonstrated that this alteration results in an incomplete splice defect (Ambry internal data). This amino acid position is highly conserved in available vertebrate species. In addition, as a missense, this variant is predicted to be deleterious by in silico analysis. Based on the supporting evidence, this alteration is interpreted as likely pathogenic in association with pheochromocytoma and paraganglioma (PPGL), however its association with other FH-related tumors, such as leiomyomas and renal cell cancer, is uncertain.

Natera, Inc.
Classification: Likely pathogenic for Fumarase Deficiency. Last evaluated: 2025-07-18. Review status: criteria provided, single submitter. Criteria: Natera Variant Classification Schema (03/2026). Collection method: clinical testing. Allele origin: germline.
Comment: The c.194A>G variant in FH is a missense variant predicted to cause substitution of aspartic acid to glycine at amino acid 65. This variant is rare in the general population with a frequency below the threshold expected for the associated phenotype(s). This variant has been observed in one or more individuals affected with the associated recessive disease, as either homozygous or compound heterozygous with a second variant (PMID: 31746132). This variant has been identified in one or more affected individual with a phenotype highly consistent with the associated gene (PMID: 31746132). Computational prediction algorithms indicate this variant is likely to affect gene or protein function. Given the available evidence, this variant is classified as Likely Pathogenic.

PreventionGenetics, part of Exact Sciences
Classification: Likely pathogenic for FH-related condition. Last evaluated: 2025-04-30. Review status: criteria provided, single submitter. Criteria: ACMG Guidelines, 2015. Collection method: clinical testing. Allele origin: germline.
Comment: The FH c.194A>G variant is predicted to result in the amino acid substitution p.Asp65Gly. This variant has been reported in the compound heterozygous state along with a loss-of-function variant in an individual with fumarase deficiency; moreover, an in vitro experimental study suggests this variant reduces enzyme efficiency (Grocott et al. 2020. PubMed ID: 31746132) and has been shown to impact splicing (external laboratories). To our knowledge, this variant has not been reported in the literature in the context of leiomyomatosis and renal cell cancer. This variant is reported in 0.0023% of alleles in individuals of European (non-Finnish) descent in gnomAD and it has classifications ranging from pathogenic to uncertain in ClinVar. This variant is classified as likely pathogenic for fumarase deficiency and uncertain significance for leiomyomatosis and renal cell cancer.

Blueprint Genetics
Classification: Likely pathogenic for FH-related disorders. Last evaluated: 2024-11-04. Review status: criteria provided, single submitter. Criteria: ACMG Guidelines, 2015. Collection method: clinical testing. Allele origin: germline. Affected: yes. Observed: 2 variant alleles.

GeneDx
Classification: Likely pathogenic. Last evaluated: 2024-10-21. Review status: criteria provided, single submitter. Criteria: GeneDx Variant Classification Process June 2021. Collection method: clinical testing. Allele origin: germline. Affected: yes.
Comment: Not observed at significant frequency in large population cohorts (gnomAD); In silico analysis supports that this missense variant has a deleterious effect on protein structure/function; In silico analysis supports a deleterious effect on splicing; This variant is associated with the following publications: (PMID: 34404389, 29641532, 31746132)

Genetic Services Laboratory, University of Chicago
Classification: Likely pathogenic. Last evaluated: 2024-08-05. Review status: criteria provided, single submitter. Criteria: ACMG Guidelines, 2015. Collection method: clinical testing. Allele origin: germline. Affected: yes.
Comment: DNA sequence analysis of the FH gene demonstrated a sequence change, c.194A>G, in exon 2 that results in an amino acid change, p.Asp65Gly. The p.Asp65Gly change affects a highly conserved amino acid residue located in a domain of the FH protein that is known to be functional. In-silico pathogenicity prediction tools (SIFT, PolyPhen2, REVEL) predict this sequence change to be deleterious. This sequence change has been previously described in the literature in the compound heterozygous state with a second pathogenic variant in an individual with fumarate hydratase deficiency (PMID: 31746132). Functional studies on the protein effect showed a milder impact on enzyme kinetics compared to the wild type (PMID: 31746132). This sequence change has been described in the gnomAD database with a frequency of 0.006% in the overall population (dbSNP rs145116688). The p.Asp65Gly amino acid change occurs in a region of the FH gene where other missense sequence changes have been described in individuals with FH-related disorders. These collective evidences indicate that this sequence change is likely pathogenic.

Baylor Genetics
Classification: Likely pathogenic for Fumarase deficiency. Last evaluated: 2024-03-26. Review status: criteria provided, single submitter. Criteria: ACMG Guidelines, 2015. Collection method: clinical testing. Allele origin: unknown.

Fulgent Genetics
Classification: Likely pathogenic for Hereditary leiomyomatosis and renal cell cancer; Fumarase deficiency. Last evaluated: 2023-12-28. Review status: criteria provided, single submitter. Criteria: ACMG Guidelines, 2015. Collection method: clinical testing. Allele origin: germline.

Sema4
Classification: Uncertain significance for Hereditary cancer-predisposing syndrome. Last evaluated: 2022-02-23. Review status: criteria provided, single submitter. Criteria: Sema4 Curation Guidelines. Collection method: curation. Allele origin: germline.
Comment: The FH c.194A>G (p.D65G) variant has been reported as compound heterozygous in at least one individual with fumarate hydratase deficiency and a family history of FH-related cancers (PMID: 31746132). In silico tools suggest the impact of the variant on protein function is deleterious, and an in vitro assay showed mildly decreased catalytic activity of the variant protein and a normal ability to form tetramers (PMID: 31746132). In addition, multiple in silico tools predict the creation of a cryptic donor splice site due to the variant. This variant was observed in 3/129180 chromosomes in the European (non-Finnish) population according to the Genome Aggregation Database (PMID: 32461654). The variant has been reported in ClinVar (Variation ID 214390). The variant is probably deleterious for fumarase deficiency, however, the clinical significance in regards to hereditary leiomyomatosis and renal cell cancer (HLRCC) remains uncertain. Based on the current evidence available, this variant is interpreted as a variant of uncertain significance.

OMIM
Classification: Pathogenic for FUMARASE DEFICIENCY. Last evaluated: 2022-11-18. Review status: no assertion criteria provided. Collection method: literature only. Allele origin: germline. Not counted in ClinVar's aggregate classification.

Blake Wilde Laboratory, Roswell Park Comprehensive Cancer Center
No classification provided (evidence only). Condition: Hereditary leiomyomatosis and renal cell cancer. Review status: no classification provided. Collection method: in vitro. Allele origin: not applicable. Functional consequence: functionally normal. Not counted in ClinVar's aggregate classification.

Literature cited by the submitters: PubMed 31746132 (cited by 5 submitters); PubMed 29641532 (cited by Ambry Genetics).